The following is an entry in ClinVar:

NM_001065.4(TNFRSF1A):c.40-5C>G

Gene: TNFRSF1A (TNF receptor superfamily member 1A; minus strand). Cytogenetic location: 12p13.31.
Variant type: single nucleotide variant.
Coding change: c.40-5C>G on transcript NM_001065.4 (MANE Select); 5 bases into the intron before coding-DNA position 40, C replaced by G.
Molecular consequence: intron variant.
Genome position (GRCh38, 1-based): chr12:6,334,249, G>C on the plus strand (C>G on the coding strand, the complement: TNFRSF1A is on the minus strand). VCF-style: chr12-6334249-G-C. GRCh37 (hg19) VCF-style: chr12-6443415-G-C.
Other names: c.-131-384C>G (NM_001346091.2); c.-538-5C>G (NM_001346092.2); c.40-5C>G (NM_001065.3, NM_001065.2).
Identifiers: ClinVar variation 1394393 (VCV001394393.11), dbSNP rs757941488, ClinGen allele CA6405615.
Genomic context (GRCh38, chr12:6,334,249, plus strand): 5'-GGGACCAGTCCAATAACCCCTGAGGGGTATATTCCCACCAACAGCTCCAGGAGCACCTGG[G>C]GAAGAATCAGATAGAGGAGACACCATCAAGAGAGGGAGGGATGGGAAGCTTAGGGGTAGC-3'

ClinVar aggregate classification (germline): Uncertain significance. Review status: criteria provided, multiple submitters, no conflicts (2 of 4 stars). 5 submissions from 5 submitters: Uncertain significance (3). 2 of the submissions do not count toward it. Last evaluated 2026-06-10.

Conditions:
TNFRSF1A-related disorder. Also called: TNFRSF1A-related condition.
TNF receptor-associated periodic fever syndrome (TRAPS) (FPF). Also called: FAMILIAL HIBERNIAN FEVER; TNF receptor 1-associated periodic fever syndrome; Autosomal Dominant Familial Periodic Fever; TNF RECEPTOR-ASSOCIATED PERIODIC SYNDROME; TUMOR NECROSIS FACTOR RECEPTOR-ASSOCIATED PERIODIC SYNDROME; TNF Receptor-Associated Periodic Fever Syndrome. Identifiers: Orphanet 32960, MedGen C1275126, MONDO:0007727, OMIM 142680.

Allele frequency attached by ClinVar (database versions not stated): gnomAD 0.00001; gnomAD exomes below 0.00001; ExAC 0.00001.
gnomAD v4.1: 4 of 1,612,386 alleles (0.00025%); highest among the groups gnomAD compares: African/African-American, 0.0053%; no homozygotes.

Submissions (5):

Women's Health and Genetics/Laboratory Corporation of America, LabCorp
Classification: Uncertain significance. Last evaluated: 2026-06-10. Review status: criteria provided, single submitter. Criteria: LabCorp Variant Classification Summary - May 2015. Collection method: clinical testing. Allele origin: germline.
Comment: Variant summary: TNFRSF1A c.40-5C>G alters a nucleotide located at a position not widely known to affect splicing. Several computational tools predict a significant impact on normal splicing: Two predict the variant weakens a 3' acceptor site. One predict the variant weakens a cryptic 3' acceptor site. However, these predictions have yet to be confirmed by functional studies. The variant allele was found at a frequency of 4e-06 in 248552 control chromosomes. The available data on variant occurrences in the general population are insufficient to allow any conclusion about variant significance. c.40-5C>G has been observed in at least one individual(s) affected with TNFRSF1A-related conditions (Papa_2021) without strong evidence of causality. These report(s) do not provide unequivocal conclusions about association of the variant with disease. To our knowledge, no experimental evidence demonstrating an impact on protein function has been reported. The following publication has been ascertained in the context of this evaluation (PMID: 33181346). ClinVar contains an entry for this variant (Variation ID: 1394393). Based on the evidence outlined above, the variant was classified as uncertain significance.

Labcorp Genetics (formerly Invitae), Labcorp
Classification: Uncertain significance for TNF receptor-associated periodic fever syndrome (TRAPS). Last evaluated: 2026-01-27. Review status: criteria provided, single submitter. Criteria: Invitae Variant Classification Sherloc (09022015). Collection method: clinical testing. Allele origin: germline.
Comment: This sequence change falls in intron 1 of the TNFRSF1A gene. It does not directly change the encoded amino acid sequence of the TNFRSF1A protein. This variant is present in population databases (rs757941488, gnomAD 0.007%). This variant has not been reported in the literature in individuals affected with TNFRSF1A-related conditions. ClinVar contains an entry for this variant (Variation ID: 1394393). Algorithms developed to predict the effect of sequence changes on RNA splicing suggest that this variant may disrupt the consensus splice site. In summary, the available evidence is currently insufficient to determine the role of this variant in disease. Therefore, it has been classified as a Variant of Uncertain Significance.

Breakthrough Genomics
Classification: Uncertain significance. Review status: criteria provided, single submitter. Criteria: ACMG Guidelines, 2015. Collection method: not provided. Allele origin: germline. Inheritance: Autosomal dominant inheritance. Affected: yes.

Molecular Genetics Laboratory, BC Children's and BC Women's Hospitals
Classification: Uncertain significance for TNF receptor-associated periodic fever syndrome (TRAPS). Last evaluated: 2024-06-05. Review status: no assertion criteria provided. Criteria: ACMG Guidelines, 2015. Collection method: clinical testing. Allele origin: germline. Affected: yes. Not counted in ClinVar's aggregate classification.

PreventionGenetics, part of Exact Sciences
Classification: Likely benign for TNFRSF1A-related condition. Last evaluated: 2019-07-10. Review status: no assertion criteria provided. Collection method: clinical testing. Allele origin: germline. Not counted in ClinVar's aggregate classification.
Comment: This variant is classified as likely benign based on ACMG/AMP sequence variant interpretation guidelines (Richards et al. 2015 PMID: 25741868, with internal and published modifications).

Literature cited by the submitters: PubMed 33181346 (cited by Women's Health and Genetics/Laboratory Corporation of America, LabCorp).